The following is an entry in ClinVar:

ClinVar aggregate classification (germline): Benign (1 of 4 stars; one submission).

Allele frequency attached by ClinVar (database versions not stated): 1000 Genomes Project 30x 0.00016; 1000 Genomes Project 0.00020; gnomAD 0.00076; TOPMed 0.00079.

Submission:

CeGaT Center for Human Genetics Tuebingen
Classification: Benign. Last evaluated: 2022-08-01. Review status: criteria provided, single submitter. Criteria: CeGaT Center For Human Genetics Tuebingen Variant Classification Criteria Version 2. Collection method: clinical testing. Allele origin: germline. Affected: yes. Observed: 1 variant allele.
Comment: BCL11A: BS1, BS2

NM_022893.4(BCL11A):c.386-9348C>T

Gene: BCL11A (BCL11 transcription factor A; minus strand). Cytogenetic location: 2p16.1.
Variant type: single nucleotide variant.
Coding change: c.386-9348C>T on transcript NM_022893.4 (MANE Select); 9348 bases into the intron before coding-DNA position 386, C replaced by T.
Molecular consequence: intron variant. On other transcripts: 5 prime UTR variant (2).
Genome position (GRCh38, 1-based): chr2:60,478,181, G>A on the plus strand (C>T on the coding strand, the complement: BCL11A is on the minus strand). VCF-style: chr2-60478181-G-A. GRCh37 (hg19) VCF-style: chr2-60705316-G-A.
Other names: c.230-9348C>T (NM_001405713.1, NM_001405729.1, NM_001405714.1 and 6 more transcripts); c.230-15757C>T (NM_001405717.1, NM_001405736.1, NM_001405724.1 and 1 more transcripts); c.53-9348C>T (NM_001405720.1, NM_001405721.1); c.-89C>T (NM_001405727.1, NM_001405728.1); c.386-9348C>T (NM_138559.2, NM_018014.4, NM_001405732.1 and 4 more transcripts); c.386-15757C>T (NM_001363864.1, NM_001405733.1, NM_001405719.1 and 3 more transcripts); c.-71-9348C>T (NM_001405731.1, NM_001405726.1, NM_001405725.1).
Identifiers: ClinVar variation 2650966 (VCV002650966.24), dbSNP rs182281151, ClinGen allele CA49019542.